The following is an entry in ClinVar:

NM_032638.5(GATA2):c.352G>A (p.Val118Met)

Gene: GATA2 (GATA binding protein 2; minus strand). Cytogenetic location: 3q21.3.
Variant type: single nucleotide variant.
Coding change: c.352G>A on transcript NM_032638.5 (MANE Select); coding-DNA position 352, G replaced by A.
Protein change: p.Val118Met; replaces valine 118 with methionine.
Molecular consequence: missense variant.
Genome position (GRCh38, 1-based): chr3:128,486,246, C>T on the plus strand (G>A on the coding strand, the complement: GATA2 is on the minus strand). VCF-style: chr3-128486246-C-T. GRCh37 (hg19) VCF-style: chr3-128205089-C-T.
Other names: c.352G>A, p.Val118Met (NM_001145661.2, NM_001145662.1); short protein forms V118M.
Identifiers: ClinVar variation 3519010 (VCV003519010.3).

ClinVar aggregate classification (germline): Uncertain significance. Review status: criteria provided, multiple submitters, no conflicts (2 of 4 stars). 2 submissions from 2 submitters: Uncertain significance (2). Last evaluated 2025-05-21.

Conditions:
GATA2-related disorder. Also called: GATA2-related condition; GATA2-Related Disorders.
Inborn genetic diseases. Identifiers: MedGen C0950123, MeSH D030342.

gnomAD v4.1: 2 of 1,565,240 alleles (0.00013%); highest among the groups gnomAD compares: South Asian, 0.0012%; no homozygotes.

Submissions (2):

Ambry Genetics
Classification: Uncertain significance for Inborn genetic diseases. Last evaluated: 2025-05-21. Review status: criteria provided, single submitter. Criteria: Ambry Variant Classification Scheme 2023. Collection method: clinical testing. Allele origin: germline.
Comment: The p.V118M variant (also known as c.352G>A), located in coding exon 2 of the GATA2 gene, results from a G to A substitution at nucleotide position 352. The valine at codon 118 is replaced by methionine, an amino acid with highly similar properties. This amino acid position is conserved. In addition, the in silico prediction for this alteration is inconclusive. Based on the available evidence, the clinical significance of this variant remains unclear.

PreventionGenetics, part of Exact Sciences
Classification: Uncertain significance for GATA2-related condition. Last evaluated: 2025-03-19. Review status: criteria provided, single submitter. Criteria: ACMG Guidelines, 2015. Collection method: clinical testing. Allele origin: germline.
Comment: The GATA2 c.352G>A variant is predicted to result in the amino acid substitution p.Val118Met. To our knowledge, this variant has not been reported in the literature or in a large population database (gnomAD), indicating this variant is rare. This variant is interpreted as uncertain in ClinVar. At this time, the clinical significance of this variant is uncertain due to the absence of conclusive functional and genetic evidence.